The following is an entry in ClinVar:

ClinVar aggregate classification (germline): Likely benign (1 of 4 stars; one submission).

gnomAD v4.1: 94 of 1,612,790 alleles (0.0058%); highest among the groups gnomAD compares: African/African-American, 0.076%; 3 homozygotes.

Submission:

Mayo Clinic Laboratories, Mayo Clinic
Classification: Likely benign. Last evaluated: 2025-09-04. Review status: criteria provided, single submitter. Criteria: ACMG Guidelines, 2015. Collection method: clinical testing. Allele origin: germline. Observed: 2 variant alleles.
Comment: BP4, BP7

NM_000507.4(FBP1):c.333+26G>A

Gene: FBP1 (fructose-bisphosphatase 1; minus strand). Cytogenetic location: 9q22.32.
Variant type: single nucleotide variant.
Coding change: c.333+26G>A on transcript NM_000507.4 (MANE Select); 26 bases into the intron after coding-DNA position 333, G replaced by A.
Molecular consequence: intron variant.
Genome position (GRCh38, 1-based): chr9:94,620,303, C>T on the plus strand (G>A on the coding strand, the complement: FBP1 is on the minus strand). VCF-style: chr9-94620303-C-T. GRCh37 (hg19) VCF-style: chr9-97382585-C-T.
Other names: p.?; c.333+26G>A (NM_001127628.2).
Identifiers: ClinVar variation 4683405 (VCV004683405.1).